The following is an entry in ClinVar:

ClinVar aggregate classification (germline): Uncertain significance. Review status: criteria provided, multiple submitters, no conflicts (2 of 4 stars). 5 submissions from 5 submitters: Uncertain significance (5). Last evaluated 2025-12-12.

Conditions:
Inborn genetic diseases. Identifiers: MedGen C0950123, MeSH D030342.
Intellectual developmental disorder, autosomal recessive 37. Also called: Intellectual disability-hypotonia-spasticity-sleep disorder syndrome. Identifiers: Orphanet 356996, MedGen C3809672, MONDO:0014210, OMIM 615493.

Allele frequency attached by ClinVar (database versions not stated): gnomAD 0.00012 and 0.00007; 1000 Genomes Project 30x 0.00016; TOPMed 0.00017; 1000 Genomes Project 0.00020.
gnomAD v4.1: 71 of 1,613,980 alleles (0.0044%); highest among the groups gnomAD compares: Admixed American, 0.035%; no homozygotes.

Submissions (5):

Women's Health and Genetics/Laboratory Corporation of America, LabCorp
Classification: Uncertain significance. Last evaluated: 2025-12-12. Review status: criteria provided, single submitter. Criteria: LabCorp Variant Classification Summary - May 2015. Collection method: clinical testing. Allele origin: germline.
Comment: Variant summary: ANK3 c.6563C>A (p.Pro2188Gln) results in a non-conservative amino acid change in the encoded protein sequence. Algorithms developed to predict the effect of missense changes on protein structure and function are either unavailable or do not agree on the potential impact of this missense change. The variant allele was found at a frequency of 5.6e-05 in 250710 control chromosomes. This frequency is not significantly higher than estimated for disease-causing variants in ANK3, allowing no conclusion about variant significance. To our knowledge, no occurrence of c.6563C>A in individuals affected with ANK3-related conditions and no experimental evidence demonstrating its impact on protein function have been reported. ClinVar contains an entry for this variant (Variation ID: 1506093). Based on the evidence outlined above, the variant was classified as uncertain significance.

Labcorp Genetics (formerly Invitae), Labcorp
Classification: Uncertain significance. Last evaluated: 2025-09-24. Review status: criteria provided, single submitter. Criteria: Invitae Variant Classification Sherloc (09022015). Collection method: clinical testing. Allele origin: germline.
Comment: This sequence change replaces proline with glutamine at codon 2188 of the ANK3 protein (p.Pro2188Gln). The proline residue is weakly conserved and there is a moderate physicochemical difference between proline and glutamine. This variant is present in population databases (rs190303926, gnomAD 0.03%). This variant has not been reported in the literature in individuals affected with ANK3-related conditions. ClinVar contains an entry for this variant (Variation ID: 1506093). Invitae Evidence Modeling of protein sequence and biophysical properties (such as structural, functional, and spatial information, amino acid conservation, physicochemical variation, residue mobility, and thermodynamic stability) indicates that this missense variant is not expected to disrupt ANK3 protein function with a negative predictive value of 80%. In summary, the available evidence is currently insufficient to determine the role of this variant in disease. Therefore, it has been classified as a Variant of Uncertain Significance.

GeneDx
Classification: Uncertain significance. Last evaluated: 2025-05-03. Review status: criteria provided, single submitter. Criteria: GeneDx Variant Classification Process June 2021. Collection method: clinical testing. Allele origin: germline. Affected: yes.
Comment: In silico analysis suggests that this missense variant does not alter protein structure/function; Has not been previously published as pathogenic or benign to our knowledge

Fulgent Genetics
Classification: Uncertain significance for Intellectual developmental disorder, autosomal recessive 37. Last evaluated: 2024-01-19. Review status: criteria provided, single submitter. Criteria: ACMG Guidelines, 2015. Collection method: clinical testing. Allele origin: germline.

Ambry Genetics
Classification: Uncertain significance for Inborn genetic diseases. Last evaluated: 2022-10-03. Review status: criteria provided, single submitter. Criteria: Ambry Variant Classification Scheme 2023. Collection method: clinical testing. Allele origin: germline.

NM_020987.5(ANK3):c.6563C>A (p.Pro2188Gln)

Gene: ANK3 (ankyrin 3; minus strand). Cytogenetic location: 10q21.2.
Variant type: single nucleotide variant.
Coding change: c.6563C>A on transcript NM_020987.5 (MANE Select); coding-DNA position 6563, C replaced by A.
Protein change: p.Pro2188Gln; replaces proline 2188 with glutamine.
Molecular consequence: missense variant. On other transcripts: intron variant (4).
Genome position (GRCh38, 1-based): chr10:60,074,318, G>T on the plus strand (C>A on the coding strand, the complement: ANK3 is on the minus strand). VCF-style: chr10-60074318-G-T. GRCh37 (hg19) VCF-style: chr10-61834076-G-T.
Other names: c.6563C>A (NM_020987.3); c.4387+6219C>A (NM_001204403.2); c.4408+6219C>A (NM_001204404.2); c.4405+6219C>A (NM_001320874.2); c.1807+6219C>A (NM_001149.4); short protein forms P2188Q.
Identifiers: ClinVar variation 1506093 (VCV001506093.10), dbSNP rs190303926, ClinGen allele CA5511858.